The following is an entry in ClinVar:

NM_001379500.1(COL18A1):c.600C>T (p.Gly200=)

Gene: COL18A1 (collagen type XVIII alpha 1 chain; plus strand). Cytogenetic location: 21q22.3.
Variant type: single nucleotide variant.
Coding change: c.600C>T on transcript NM_001379500.1 (MANE Select); coding-DNA position 600, C replaced by T.
Protein change: p.Gly200=; no amino-acid change (glycine 200 retained).
Molecular consequence: synonymous variant.
Genome position (GRCh38, 1-based): chr21:45,468,735, C>T. VCF-style: chr21-45468735-C-T. GRCh37 (hg19) VCF-style: chr21-46888649-C-T.
Other names: c.1140C>T, p.Gly380= (NM_030582.4); c.1845C>T, p.Gly615= (NM_130444.3); c.1140C>T (NM_030582.3).
Identifiers: ClinVar variation 1985264 (VCV001985264.6), dbSNP rs374980607, ClinGen allele CA10065791.
Genomic context (GRCh38, chr21:45,468,735, plus strand): 5'-TGAGGAGTTCCAGAGAATGCCGCTTGCTCGGTCCTCACGGGGCCTGGAGCTGGAGCCTGG[C>T]GCCGGGCTCTTCGTGGCTCAGGCGGGGGGAGCGGACCCTGACAAGTTCCAGGTAACCCCC-3'
Protein context (NP_001366429.1, residues 190-210): RSSRGLELEP[Gly200=]AGLFVAQAGG

ClinVar aggregate classification (germline): Likely benign. Review status: criteria provided, multiple submitters, no conflicts (2 of 4 stars). 3 submissions from 3 submitters: Likely benign (3). Last evaluated 2025-03-19.

Conditions:
COL18A1-related disorder. Also called: COL18A1-related disorders; COL18A1-related condition.

Allele frequency attached by ClinVar (database versions not stated): gnomAD 0.00001; gnomAD exomes 0.00001; ExAC 0.00003; TOPMed 0.00005; ESP Exome Variant Server 0.00008.
gnomAD v4.1: 19 of 1,610,642 alleles (0.0012%); highest among the groups gnomAD compares: Admixed American, 0.0017%; no homozygotes.

Submissions (3):

PreventionGenetics, part of Exact Sciences
Classification: Likely benign for COL18A1-related condition. Last evaluated: 2025-03-19. Review status: criteria provided, single submitter. Criteria: ACMG Guidelines, 2015. Collection method: clinical testing. Allele origin: germline.
Comment: This variant is classified as likely benign based on ACMG/AMP sequence variant interpretation guidelines (Richards et al. 2015 PMID: 25741868, with internal and published modifications).

Labcorp Genetics (formerly Invitae), Labcorp
Classification: Likely benign. Last evaluated: 2024-09-17. Review status: criteria provided, single submitter. Criteria: Invitae Variant Classification Sherloc (09022015). Collection method: clinical testing. Allele origin: germline.

Blueprint Genetics
Classification: Likely benign. Last evaluated: 2021-04-19. Review status: criteria provided, single submitter. Criteria: ACMG Guidelines, 2015. Collection method: clinical testing. Allele origin: germline.